The following is an entry in ClinVar:

ClinVar aggregate classification (germline): Likely benign (0 of 4 stars; one submission).

Conditions:
MAP4-related disorder. Also called: MAP4-related condition.

Allele frequency attached by ClinVar (database versions not stated): ESP Exome Variant Server 0.00015; 1000 Genomes Project 0.00060; 1000 Genomes Project 30x 0.00062; gnomAD 0.00025; TOPMed 0.00027.
gnomAD v4.1: 63 of 1,613,852 alleles (0.0039%); highest among the groups gnomAD compares: African/African-American, 0.061%; no homozygotes.

Submission:

PreventionGenetics, part of Exact Sciences
Classification: Likely benign for MAP4-related condition. Last evaluated: 2019-11-26. Review status: no assertion criteria provided. Collection method: clinical testing. Allele origin: germline.
Comment: This variant is classified as likely benign based on ACMG/AMP sequence variant interpretation guidelines (Richards et al. 2015 PMID: 25741868, with internal and published modifications).

NM_001385682.1(MAP4):c.1311T>C (p.Ala437=)

Gene: MAP4 (microtubule associated protein 4; minus strand). Cytogenetic location: 3p21.31.
Variant type: single nucleotide variant.
Coding change: c.1311T>C on transcript NM_001385682.1 (MANE Select); coding-DNA position 1311, T replaced by C.
Protein change: p.Ala437=; no amino-acid change (alanine 437 retained).
Molecular consequence: synonymous variant. On other transcripts: intron variant (10).
Genome position (GRCh38, 1-based): chr3:47,916,516, A>G on the plus strand (T>C on the coding strand, the complement: MAP4 is on the minus strand). VCF-style: chr3-47916516-A-G. GRCh37 (hg19) VCF-style: chr3-47958006-A-G.
Other names: c.1311T>C, p.Ala437= (NM_001134364.2, NM_001384676.1, NM_001384677.1 and 41 more transcripts); c.1188T>C, p.Ala396= (NM_001384675.1, NM_001384681.1, NM_001384707.1 and 14 more transcripts); c.1347T>C, p.Ala449= (NM_001384678.1, NM_001384738.1, NM_001384745.1 and 4 more transcripts); c.1005T>C, p.Ala335= (NM_001384680.1); c.1242T>C, p.Ala414= (NM_001384730.1, NM_001384777.1, NM_001384780.1 and 10 more transcripts); c.1362T>C, p.Ala454= (NM_001384731.1, NM_001384736.1, NM_001384788.1 and 9 more transcripts); c.1239T>C, p.Ala413= (NM_001384744.1, NM_001384789.1, NM_001384791.1 and 2 more transcripts); c.1119T>C, p.Ala373= (NM_001384746.1, NM_001384753.1, NM_001384757.1 and 2 more transcripts); and 15 more.
Identifiers: ClinVar variation 3048980 (VCV003048980.2), dbSNP rs200436355, ClinGen allele CA2371478.